The following is an entry in ClinVar:

NM_001044385.3(TMEM237):c.656T>C (p.Leu219Pro)

Gene: TMEM237 (transmembrane protein 237; minus strand). Cytogenetic location: 2q33.1.
Variant type: single nucleotide variant.
Coding change: c.656T>C on transcript NM_001044385.3 (MANE Select); coding-DNA position 656, T replaced by C.
Protein change: p.Leu219Pro; replaces leucine 219 with proline.
Molecular consequence: missense variant.
Genome position (GRCh38, 1-based): chr2:201,629,750, A>G on the plus strand (T>C on the coding strand, the complement: TMEM237 is on the minus strand). VCF-style: chr2-201629750-A-G. GRCh37 (hg19) VCF-style: chr2-202494473-A-G.
Other names: c.632T>C, p.Leu211Pro (NM_152388.4); c.656T>C (NM_001044385.1); short protein forms L211P, L219P.
Identifiers: ClinVar variation 1002533 (VCV001002533.9), dbSNP rs200892635, ClinGen allele CA2056429.
Genomic context (GRCh38, chr2:201,629,750, plus strand): 5'-TAACATTTATTTTAAGAAAAGTCCAACAAAAGCAGCCACCTGAAAGCCCGGTGCACTGTA[A>G]GTGCCACATCTCTGGTGGTCCAGGAAGGCTTCACGTCCATTGACACATCTATGTTTTCTG-3'
Protein context (NP_001037850.1, residues 209-229): KPSWTTRDVA[Leu219Pro]TVHRAFRMIG

ClinVar aggregate classification (germline): Uncertain significance. Review status: criteria provided, multiple submitters, no conflicts (2 of 4 stars). 3 submissions from 3 submitters: Uncertain significance (3). Last evaluated 2025-03-06.

Conditions:
Inborn genetic diseases. Identifiers: MedGen C0950123, MeSH D030342.
Joubert syndrome 14 (JBTS14). Identifiers: MedGen C3280766, MONDO:0013745, OMIM 614424.

Allele frequency attached by ClinVar (database versions not stated): gnomAD 0.00003 and 0.00004; gnomAD exomes 0.00003; TOPMed 0.00003; ExAC 0.00004.
gnomAD v4.1: 40 of 1,612,366 alleles (0.0025%); highest among the groups gnomAD compares: Non-Finnish European, 0.0032%; no homozygotes.

Submissions (3):

Ambry Genetics
Classification: Uncertain significance for Inborn genetic diseases. Last evaluated: 2025-03-06. Review status: criteria provided, single submitter. Criteria: Ambry Variant Classification Scheme 2023. Collection method: clinical testing. Allele origin: germline.

Fulgent Genetics
Classification: Uncertain significance for Joubert syndrome 14. Last evaluated: 2024-02-08. Review status: criteria provided, single submitter. Criteria: ACMG Guidelines, 2015. Collection method: clinical testing. Allele origin: germline.

Labcorp Genetics (formerly Invitae), Labcorp
Classification: Uncertain significance for Joubert syndrome 14. Last evaluated: 2023-10-28. Review status: criteria provided, single submitter. Criteria: Invitae Variant Classification Sherloc (09022015). Collection method: clinical testing. Allele origin: germline.
Comment: This sequence change replaces leucine, which is neutral and non-polar, with proline, which is neutral and non-polar, at codon 219 of the TMEM237 protein (p.Leu219Pro). This variant is present in population databases (rs200892635, gnomAD 0.01%). This variant has not been reported in the literature in individuals affected with TMEM237-related conditions. ClinVar contains an entry for this variant (Variation ID: 1002533). Advanced modeling of protein sequence and biophysical properties (such as structural, functional, and spatial information, amino acid conservation, physicochemical variation, residue mobility, and thermodynamic stability) performed at Invitae indicates that this missense variant is expected to disrupt TMEM237 protein function with a positive predictive value of 80%. In summary, the available evidence is currently insufficient to determine the role of this variant in disease. Therefore, it has been classified as a Variant of Uncertain Significance.